The following is an entry in ClinVar:

ClinVar aggregate classification (germline): Likely pathogenic (1 of 4 stars; one submission).

Conditions:
Sotos syndrome (SOTOS). Also called: CEREBRAL GIGANTISM; Sotos' syndrome; Distinctive facial appearance, overgrowth in childhood, and learning disabilities or delayed development; CHROMOSOME 5q35 DELETION SYNDROME; SOTOS SYNDROME 1. Identifiers: Orphanet 821, MedGen C0175695, MONDO:0019349, OMIM 117550.

Submission:

Dasa
Classification: Likely pathogenic for Sotos syndrome. Last evaluated: 2025-10-29. Review status: criteria provided, single submitter. Criteria: DASA Assertion Criteria. Collection method: clinical testing. Allele origin: germline.
Comment: NM_022455.5(NSD1):c.4491_4497+1dup affects a canonical splice site and is predicted to disrupt normal RNA splicing. Loss of function is an established disease mechanism for NSD1 (PMID: 11896389; PMID: 17565729; PMID: 23190751). Also, this variant is absent from population databases. Based on the currently available evidence, this variant is classified as likely pathogenic.

Literature cited by the submitters: PubMed 11896389; PubMed 17565729; PubMed 23190751.

NM_022455.5(NSD1):c.4491_4497+1dup

Gene: NSD1 (nuclear receptor binding SET domain protein 1; plus strand). Cytogenetic location: 5q35.3.
Variant type: Duplication.
Coding change: c.4491_4497+1dup on transcript NM_022455.5 (MANE Select); coding-DNA position 4491 through the canonical splice donor site of the intron after coding-DNA position 4497, 8 bases duplicated (CTCAGAGG; older notation c.4491_4497+1dupCTCAGAGG).
Molecular consequence: splice donor variant.
Genome position (GRCh38, 1-based): chr5:177,246,790-177,246,797, CTCAGAGG duplicated; duplicating any 8 consecutive bases within chr5:177,246,787-177,246,797 gives the same sequence; the c. name uses the placement nearest the transcript's 3' end. VCF-style (leftmost placement, unchanged base first): chr5-177246786-C-CAGGCTCAG. GRCh37 (hg19) VCF-style: chr5-176673787-C-CAGGCTCAG.
Other names: c.4491_4497+1dup (NM_001409301.1, NM_001409302.1, NM_001409303.1); c.4071_4077+1dup (NM_001409304.1); c.3738_3744+1dup (NM_001409305.1); c.3618_3624+1dup (NM_001409306.1, NM_001409308.1, NM_001409307.1 and 3 more transcripts).
Identifiers: ClinVar variation 4880780 (VCV004880780.2).